The following is an entry in ClinVar:

ClinVar aggregate classification (germline): Conflicting classifications of pathogenicity. Review status: criteria provided, conflicting classifications (1 of 4 stars). 9 submissions from 7 submitters: Uncertain significance (1); Likely benign (7). 1 of the submissions does not count toward it. Last evaluated 2024-09-20.

Conditions:
Familial Mediterranean fever (FMF). Also called: Periodic peritonitis; Benign paroxysmal peritonitis; POLYSEROSITIS, FAMILIAL PAROXYSMAL; POLYSEROSITIS, RECURRENT. Identifiers: Orphanet 342, MedGen C0031069, MONDO:0018088, OMIM 249100. Disease mechanism: gain of function.
Familial Mediterranean fever, autosomal dominant. Also called: FMF, AUTOSOMAL DOMINANT; Dominant Familial Mediterranean Fever. Identifiers: Orphanet 342, MedGen C1851347, MONDO:0007601, OMIM 134610.
Acute febrile neutrophilic dermatosis (AFND). Also called: Gomm Button disease; Sweet Syndrome. Identifiers: Orphanet 3243, MedGen C0085077, MONDO:0011959, OMIM 608068.
MEFV-related disorder. Also called: MEFV-related disorders; MEFV-related condition.

Allele frequency attached by ClinVar (database versions not stated): gnomAD exomes below 0.00001 and 0.00002; ExAC 0.00001; gnomAD 0.00001; TOPMed 0.00001.
gnomAD v4.1: 14 of 1,614,012 alleles (0.00087%); highest among the groups gnomAD compares: Non-Finnish European, 0.0012%; no homozygotes.

Submissions (9):

Blueprint Genetics
Classification: Likely benign. Last evaluated: 2024-09-20. Review status: criteria provided, single submitter. Criteria: ACMG Guidelines, 2015. Collection method: clinical testing. Allele origin: germline.

Labcorp Genetics (formerly Invitae), Labcorp
Classification: Likely benign for Familial Mediterranean fever. Last evaluated: 2023-11-22. Review status: criteria provided, single submitter. Criteria: Invitae Variant Classification Sherloc (09022015). Collection method: clinical testing. Allele origin: germline.

Genome-Nilou Lab
Classification: Uncertain significance for Familial Mediterranean fever. Last evaluated: 2023-02-08. Review status: criteria provided, single submitter. Criteria: ACMG Guidelines, 2015. Collection method: clinical testing. Allele origin: germline.

Genome-Nilou Lab
Classification: Likely benign for Familial Mediterranean fever, autosomal dominant. Last evaluated: 2023-02-08. Review status: criteria provided, single submitter. Criteria: ACMG Guidelines, 2015. Collection method: clinical testing. Allele origin: germline.

Genome-Nilou Lab
Classification: Likely benign for Acute febrile neutrophilic dermatosis. Last evaluated: 2023-02-08. Review status: criteria provided, single submitter. Criteria: ACMG Guidelines, 2015. Collection method: clinical testing. Allele origin: germline.

Fulgent Genetics
Classification: Likely benign for Familial Mediterranean fever, autosomal dominant; Familial Mediterranean fever; Acute febrile neutrophilic dermatosis. Last evaluated: 2022-04-01. Review status: criteria provided, single submitter. Criteria: ACMG Guidelines, 2015. Collection method: clinical testing. Allele origin: unknown.

ARUP Laboratories, Molecular Genetics and Genomics, ARUP Laboratories
Classification: Likely benign. Last evaluated: 2021-02-17. Review status: criteria provided, single submitter. Criteria: ARUP Molecular Germline Variant Investigation Process 2021. Collection method: clinical testing. Allele origin: germline.

Women's Health and Genetics/Laboratory Corporation of America, LabCorp
Classification: Likely benign. Last evaluated: 2019-08-29. Review status: criteria provided, single submitter. Criteria: LabCorp Variant Classification Summary - May 2015. Collection method: clinical testing. Allele origin: germline.

PreventionGenetics, part of Exact Sciences
Classification: Likely benign for MEFV-related condition. Last evaluated: 2022-01-03. Review status: no assertion criteria provided. Collection method: clinical testing. Allele origin: germline. Not counted in ClinVar's aggregate classification.
Comment: This variant is classified as likely benign based on ACMG/AMP sequence variant interpretation guidelines (Richards et al. 2015 PMID: 25741868, with internal and published modifications).

NM_000243.3(MEFV):c.2271C>T (p.Ser757=)

Gene: MEFV (MEFV innate immunity regulator, pyrin; minus strand). Cytogenetic location: 16p13.3.
Variant type: single nucleotide variant.
Coding change: c.2271C>T on transcript NM_000243.3 (MANE Select); coding-DNA position 2271, C replaced by T.
Protein change: p.Ser757=; no amino-acid change (serine 757 retained).
Molecular consequence: synonymous variant. On other transcripts: 3 prime UTR variant (1).
Genome position (GRCh38, 1-based): chr16:3,243,216, G>A on the plus strand (C>T on the coding strand, the complement: MEFV is on the minus strand). VCF-style: chr16-3243216-G-A. GRCh37 (hg19) VCF-style: chr16-3293216-G-A.
Other names: c.*475C>T (NM_001198536.2).
Identifiers: ClinVar variation 495753 (VCV000495753.25), dbSNP rs772754956, ClinGen allele CA7859844.